The following is an entry in ClinVar:

ClinVar aggregate classification (germline): Uncertain significance (1 of 4 stars; one submission).

Allele frequency attached by ClinVar (database versions not stated): gnomAD exomes below 0.00001; gnomAD 0.00001; TOPMed 0.00001.
gnomAD v4.1: 4 of 1,538,672 alleles (0.00026%); highest among the groups gnomAD compares: South Asian, 0.0012%; no homozygotes.

Submission:

CeGaT Center for Human Genetics Tuebingen
Classification: Uncertain significance. Last evaluated: 2023-04-01. Review status: criteria provided, single submitter. Criteria: CeGaT Center For Human Genetics Tuebingen Variant Classification Criteria Version 2. Collection method: clinical testing. Allele origin: germline. Affected: yes. Observed: 1 variant allele.
Comment: GLS: PM2

NM_014905.5(GLS):c.281T>G (p.Val94Gly)

Genes: GLS (glutaminase; plus strand), LOC129935270 (ATAC-STARR-seq lymphoblastoid silent region 12188; plus strand). Cytogenetic location: 2q32.2.
Variant type: single nucleotide variant.
Coding change: c.281T>G on transcript NM_014905.5 (MANE Select); coding-DNA position 281, T replaced by G.
Protein change: p.Val94Gly; replaces valine 94 with glycine.
Molecular consequence: missense variant.
Genome position (GRCh38, 1-based): chr2:190,881,365, T>G. VCF-style: chr2-190881365-T-G. GRCh37 (hg19) VCF-style: chr2-191746091-T-G.
Other names: c.281T>G, p.Val94Gly (NM_001256310.2); short protein forms V94G.
Identifiers: ClinVar variation 2651765 (VCV002651765.24), dbSNP rs1484566207, ClinGen allele CA349900409.